The following is an entry in ClinVar:

ClinVar aggregate classification (germline): Likely pathogenic. Review status: criteria provided, multiple submitters, no conflicts (2 of 4 stars). 3 submissions from 3 submitters: Likely pathogenic (2). 1 of the submissions does not count toward it. Last evaluated 2021-08-03.

Conditions:
Hereditary pancreatitis (PCTT). Also called: PRSS1-Related Hereditary Pancreatitis; Hereditary chronic pancreatitis. Identifiers: Orphanet 676, MedGen C0238339, MONDO:0008185, OMIM 167800.

Allele frequency attached by ClinVar (database versions not stated): gnomAD exomes below 0.00001.
gnomAD v4.1: 1 of 1,614,034 alleles (0.000062%); highest among the groups gnomAD compares: Non-Finnish European, 0.000085%; no homozygotes.

Submissions (3):

Labcorp Genetics (formerly Invitae), Labcorp
Classification: Likely pathogenic for Hereditary pancreatitis. Last evaluated: 2021-08-03. Review status: criteria provided, single submitter. Criteria: Invitae Variant Classification Sherloc (09022015). Collection method: clinical testing. Allele origin: germline.
Comment: In summary, the currently available evidence indicates that the variant is pathogenic, but additional data are needed to prove that conclusively. Therefore, this variant has been classified as Likely Pathogenic. Algorithms developed to predict the effect of sequence changes on RNA splicing suggest that this variant may create or strengthen a splice site. Experimental studies have shown that this missense change affects PRSS1 protein function (PMID: 10930381, 16036133, 23601753). Algorithms developed to predict the effect of missense changes on protein structure and function are either unavailable or do not agree on the potential impact of this missense change (SIFT: "Deleterious"; PolyPhen-2: "Benign"; Align-GVGD: "Class C25"). ClinVar contains an entry for this variant (Variation ID: 11878). This missense change has been observed in individual(s) with hereditary pancreatitis and pancreatitis (PMID: 10204851, 25383785). This variant is not present in population databases (ExAC no frequency). This sequence change replaces lysine with arginine at codon 23 of the PRSS1 protein (p.Lys23Arg). The lysine residue is highly conserved and there is a small physicochemical difference between lysine and arginine.

Sema4
Classification: Likely pathogenic for Hereditary pancreatitis. Last evaluated: 2021-04-19. Review status: criteria provided, single submitter. Criteria: Sema4 Curation Guidelines. Collection method: curation. Allele origin: germline.
Comment: The PRSS1 c.68A>G (p.K23R) variant has been reported in heterozygosity in at least 10 individuals with acute recurrent pancreatitis (PMID (28440306, 25383785) and hereditary pancreatitis (PMID: 10204851). This variant is suggested to be a founder variant in the Georgian Jewish population (PMID: 25383785). This variant is not reported in the large and broad cohorts of the Genome Aggregation Database (PMID: 32461654). This variant has been reported in ClinVar (Variation ID: 11878). In silico tools suggest the impact of the variant on protein function is inconclusive, however, functional studies in HEK293T cells and mice have shown that this variant causes a gain in trypsinogen activation (PMID: 23601753, 31751559). Based on the current evidence available, this variant is interpreted as likely pathogenic.

OMIM
Classification: Pathogenic for PANCREATITIS, HEREDITARY. Last evaluated: 1999-03-01. Review status: no assertion criteria provided. Collection method: literature only. Allele origin: germline. Not counted in ClinVar's aggregate classification.

Literature cited by the submitters: PubMed 10930381 (cited by Labcorp Genetics (formerly Invitae), Labcorp); PubMed 16036133 (cited by Labcorp Genetics (formerly Invitae), Labcorp); PubMed 23601753 (cited by Labcorp Genetics (formerly Invitae), Labcorp and Sema4); PubMed 10204851 (cited by 3 submitters); PubMed 25383785 (cited by Labcorp Genetics (formerly Invitae), Labcorp and Sema4); PubMed 31751559 (cited by Sema4).

NM_002769.5(PRSS1):c.68A>G (p.Lys23Arg)

Genes: TRB (T cell receptor beta locus; plus strand), PRSS1 (serine protease 1; plus strand). Cytogenetic location: 7q34.
Variant type: single nucleotide variant.
Coding change: c.68A>G on transcript NM_002769.5 (MANE Select); coding-DNA position 68, A replaced by G.
Protein change: p.Lys23Arg; replaces lysine 23 with arginine.
Molecular consequence: missense variant.
Genome position (GRCh38, 1-based): chr7:142,750,582, A>G. VCF-style: chr7-142750582-A-G. GRCh37 (hg19) VCF-style: chr7-142458433-A-G.
Other names: short protein forms K23R.
Identifiers: ClinVar variation 11878 (VCV000011878.9), dbSNP rs111033567, ClinGen allele CA341153.